The following is an entry in ClinVar:

ClinVar aggregate classification (germline): Uncertain significance (1 of 4 stars; one submission).

Conditions:
Hereditary cancer-predisposing syndrome. Also called: Hereditary Cancer Syndrome; Hereditary neoplastic syndrome; Neoplastic Syndromes, Hereditary; Tumor predisposition. Identifiers: Orphanet 140162, MedGen C0027672, MeSH D009386, MONDO:0015356.

Submission:

Sema4
Classification: Uncertain significance for Hereditary cancer-predisposing syndrome. Last evaluated: 2022-02-21. Review status: criteria provided, single submitter. Criteria: Sema4 Curation Guidelines. Collection method: curation. Allele origin: germline.
Comment: The TSC2 c.2228G>T (p.G743V) variant has not been reported in the literature to our knowledge. This variant is not reported in the population database Genome Aggregation Database (PMID: 32461654). This variant has not been reported in ClinVar. Functional studies have not been performed, and in silico predictions of the variant's effect on protein function are inconclusive. The evidence is insufficient to meet ACMG/AMP criteria for classifying the variant as benign or pathogenic. Thus, the clinical significance of this variant is currently uncertain.

NM_000548.5(TSC2):c.2228G>T (p.Gly743Val)

Gene: TSC2 (TSC complex subunit 2; plus strand). Cytogenetic location: 16p13.3.
Variant type: single nucleotide variant.
Coding change: c.2228G>T on transcript NM_000548.5 (MANE Select); coding-DNA position 2228, G replaced by T.
Protein change: p.Gly743Val; replaces glycine 743 with valine.
Molecular consequence: missense variant.
Genome position (GRCh38, 1-based): chr16:2,072,856, G>T. VCF-style: chr16-2072856-G-T. GRCh37 (hg19) VCF-style: chr16-2122857-G-T.
Other names: c.2228G>T, p.Gly743Val (NM_001077183.3, NM_001114382.3, NM_001363528.2 and 3 more transcripts); c.2117G>T, p.Gly706Val (NM_001318827.2); c.2081G>T, p.Gly694Val (NM_001318829.2); c.1628G>T, p.Gly543Val (NM_001318831.2); c.2261G>T, p.Gly754Val (NM_001318832.2); short protein forms G543V, G694V, G706V, G743V, G754V.
Identifiers: ClinVar variation 1692484 (VCV001692484.1), dbSNP rs2151326174, ClinGen allele CA394276206.
Genomic context (GRCh38, chr16:2,072,856, plus strand): 5'-ACCCCGTGACCTGGCCGCTGGGGAGAGGTTTCATGCCTGGATTTGGTCATCAGCTTTCAG[G>T]CCCAAAGACACTGGAGCGGCTCCGAGGCGCCCCAGAAGGCTTCTCCAGAACTGACTTGCA-3'
Protein context (NP_000539.2, residues 733-753): LCSALCSMLS[Gly743Val]PKTLERLRGA